The following is an entry in ClinVar:

ClinVar aggregate classification (germline): Uncertain significance (1 of 4 stars; one submission).

gnomAD v4.1: 44 of 1,611,276 alleles (0.0027%); highest among the groups gnomAD compares: Non-Finnish European, 0.0035%; no homozygotes.

Submission:

Labcorp Genetics (formerly Invitae), Labcorp
Classification: Uncertain significance. Last evaluated: 2024-04-02. Review status: criteria provided, single submitter. Criteria: Invitae Variant Classification Sherloc (09022015). Collection method: clinical testing. Allele origin: germline.
Comment: This sequence change replaces glycine, which is neutral and non-polar, with arginine, which is basic and polar, at codon 316 of the GUF1 protein (p.Gly316Arg). This variant is present in population databases (rs755980277, gnomAD 0.003%). This variant has not been reported in the literature in individuals affected with GUF1-related conditions. Advanced modeling of protein sequence and biophysical properties (such as structural, functional, and spatial information, amino acid conservation, physicochemical variation, residue mobility, and thermodynamic stability) performed at Invitae indicates that this missense variant is expected to disrupt GUF1 protein function with a positive predictive value of 80%. In summary, the available evidence is currently insufficient to determine the role of this variant in disease. Therefore, it has been classified as a Variant of Uncertain Significance.

NM_021927.3(GUF1):c.946G>A (p.Gly316Arg)

Gene: GUF1 (GTP binding elongation factor GUF1; plus strand). Cytogenetic location: 4p12.
Variant type: single nucleotide variant.
Coding change: c.946G>A on transcript NM_021927.3 (MANE Select); coding-DNA position 946, G replaced by A.
Protein change: p.Gly316Arg; replaces glycine 316 with arginine.
Molecular consequence: missense variant. On other transcripts: 5 prime UTR variant (2).
Genome position (GRCh38, 1-based): chr4:44,688,014, G>A. VCF-style: chr4-44688014-G-A. GRCh37 (hg19) VCF-style: chr4-44690031-G-A.
Other names: c.-27G>A (NM_001345867.2, NM_001345869.2); c.946G>A, p.Gly316Arg (NM_001345868.2); short protein forms G316R.
Identifiers: ClinVar variation 3642834 (VCV003642834.2).